The following is an entry in ClinVar:

NM_000152.5(GAA):c.2322_2323insGGTGAGTCTGCAGACGGTGAGT (p.Leu775fs)

Gene: GAA (alpha glucosidase; plus strand). Cytogenetic location: 17q25.3.
Variant type: Insertion.
Coding change: c.2322_2323insGGTGAGTCTGCAGACGGTGAGT on transcript NM_000152.5 (MANE Select); coding-DNA positions 2322 to 2323, GGTGAGTCTGCAGACGGTGAGT inserted.
Protein change: p.Leu775fs; shifts the reading frame from leucine 775.
Molecular consequence: frameshift variant.
Genome position: GRCh38 VCF-style: chr17-80117100-C-CGGTGAGTCTGCAGACGGTGAGT. GRCh37 (hg19) VCF-style: chr17-78090899-C-CGGTGAGTCTGCAGACGGTGAGT.
Other names: c.2322_2323insGGTGAGTCTGCAGACGGTGAGT, p.Leu775fs (NM_001079803.3, NM_001079804.3, NM_001406741.1 and 1 more transcripts); short protein forms L775fs.
Identifiers: ClinVar variation 4817588 (VCV004817588.1).

ClinVar aggregate classification (germline): Likely pathogenic (1 of 4 stars; one submission).

Conditions:
Glycogen storage disease, type II (IOPD). Also called: Glucosidase acid-1,4-alpha deficiency; Pompe Disease; CARDIOMEGALIA GLYCOGENICA DIFFUSA; Glycogen storage disease type 2; Acid maltase deficiency disease; Aglucosidase alfa. Identifiers: Orphanet 365, MedGen C0017921, MONDO:0009290, OMIM 232300.

Submission:

Natera, Inc.
Classification: Likely pathogenic for Glycogen storage disease type II. Last evaluated: 2024-11-19. Review status: criteria provided, single submitter. Criteria: Natera Variant Classification Schema (03/2026). Collection method: clinical testing. Allele origin: germline.
Comment: The c.2322_2323insGGTGAGTCTGCAGACGGTGAGT variant in GAA is a frameshift variant predicted to shift the reading frame beginning at codon 775 and leads to a stop codon 28 codons downstream. This variant is expected to result in nonsense mediated decay, truncation, or a dysfunctional protein product. This variant is rare in the general population with a frequency below the threshold expected for the associated phenotype(s). Given the available evidence, this variant is classified as Likely Pathogenic.